The following is an entry in ClinVar:

NM_022089.4(ATP13A2):c.7G>A (p.Ala3Thr)

Genes: ATP13A2 (ATPase cation transporting 13A2; minus strand), LOC129929540 (ATAC-STARR-seq lymphoblastoid silent region 339; plus strand). Cytogenetic location: 1p36.13.
Variant type: single nucleotide variant.
Coding change: c.7G>A on transcript NM_022089.4 (MANE Select); coding-DNA position 7, G replaced by A.
Protein change: p.Ala3Thr; replaces alanine 3 with threonine.
Molecular consequence: missense variant.
Genome position (GRCh38, 1-based): chr1:17,011,732, C>T on the plus strand (G>A on the coding strand, the complement: ATP13A2 is on the minus strand). VCF-style: chr1-17011732-C-T. GRCh37 (hg19) VCF-style: chr1-17338227-C-T.
Other names: c.7G>A, p.Ala3Thr (NM_001141973.3, NM_001141974.3); short protein forms A3T.
Identifiers: ClinVar variation 2225344 (VCV002225344.2), dbSNP rs549839037, ClinGen allele CA338267555.

ClinVar aggregate classification (germline): Uncertain significance (1 of 4 stars; one submission).

Conditions:
Inborn genetic diseases. Identifiers: MedGen C0950123, MeSH D030342.

gnomAD v4.1: 5 of 1,474,756 alleles (0.00034%); highest among the groups gnomAD compares: South Asian, 0.0038%; no homozygotes.

Submission:

Ambry Genetics
Classification: Uncertain significance for Inborn genetic diseases. Last evaluated: 2021-02-01. Review status: criteria provided, single submitter. Criteria: Ambry Variant Classification Scheme 2023. Collection method: clinical testing. Allele origin: germline.
Comment: The c.7G>A (p.A3T) alteration is located in exon 1 (coding exon 1) of the ATP13A2 gene. This alteration results from a G to A substitution at nucleotide position 7, causing the alanine (A) at amino acid position 3 to be replaced by a threonine (T). The p.A3T alteration is predicted to be tolerated by in silico analysis. Based on insufficient or conflicting evidence, the clinical significance of this alteration remains unclear.